The following is an entry in ClinVar:

ClinVar aggregate classification (germline): Likely pathogenic (1 of 4 stars; one submission).

Conditions:
Epidermolysis bullosa, junctional 2A, intermediate. Also called: EPIDERMOLYSIS BULLOSA, JUNCTIONAL 2A, GENERALIZED INTERMEDIATE; EPIDERMOLYSIS BULLOSA, JUNCTIONAL 2A, NON-HERLITZ TYPE. Identifiers: MedGen C5676936, MONDO:0030746, OMIM 619783.

Submission:

Neuberg Centre For Genomic Medicine, NCGM
Classification: Likely pathogenic for Epidermolysis bullosa, junctional 2A, intermediate. Review status: criteria provided, single submitter. Criteria: ACMG Guidelines, 2015. Collection method: clinical testing. Allele origin: germline. Inheritance: Autosomal recessive inheritance. Affected: yes.
Comment: The frameshift c.6412delp.Val2139TrpfsTer69 variant in LAMA3 gene has not been reported previously as a pathogenic variant nor a benign variant, to our knowledge. The p.Val2139TrpfsTer69 variant is novel not in any individuals in gnomAD Exomes and 1000 Genomes. This variant has not been reported to the ClinVar database. This variant causes a frameshift starting with codon Valine 2139, changes this amino acid to Tryptophan residue, and creates a premature Stop codon at position 69 of the new reading frame, denoted p.Val2139TrpfsTer69. This variant is predicted to cause loss of normal protein function through protein truncation. Loss of function variants have been previously reported to be disease causing. For these reasons, this variant has been classified as Likely Pathogenic.

NM_198129.4(LAMA3):c.6412del (p.Val2139fs)

Gene: LAMA3 (laminin subunit alpha 3; plus strand). Cytogenetic location: 18q11.2.
Variant type: Deletion.
Coding change: c.6412del on transcript NM_198129.4 (MANE Select); coding-DNA position 6412, one base deleted (C; older notation c.6412delC).
Protein change: p.Val2139fs; shifts the reading frame from valine 2139.
Molecular consequence: frameshift variant.
Genome position (GRCh38, 1-based): chr18:23,904,026, C deleted; the last of 3 consecutive C bases (chr18:23,904,024-23,904,026); deleting any one gives the same sequence. VCF-style (leftmost placement, unchanged base first): chr18-23904023-TC-T. GRCh37 (hg19) VCF-style: chr18-21483987-TC-T.
Other names: c.1585del, p.Val530fs (NM_000227.6); c.6244del, p.Val2083fs (NM_001127717.4); c.1417del, p.Val474fs (NM_001127718.4); short protein forms V2083fs, V2139fs, V474fs, V530fs.
Identifiers: ClinVar variation 3234987 (VCV003234987.1), dbSNP rs2511406882, ClinGen allele CA2825002668.
Genomic context (GRCh38, chr18:23,904,023, plus strand): 5'-GAAGCAAGACAAGAACTAAGTGACAAAGTAAGAGAACTTTCCAGATCTGCTGGCAAAACA[TC>T]CCTTGTGGAGGAGGCAGAAAAGCACGCGCGGTCCTTACAAGAGCTGGCAAAGCAGCTGGA-3'